The following is an entry in ClinVar:

NM_002230.4(JUP):c.1565C>A (p.Ala522Glu)

Gene: JUP (junction plakoglobin; minus strand). Cytogenetic location: 17q21.2.
Variant type: single nucleotide variant.
Coding change: c.1565C>A on transcript NM_002230.4 (MANE Select); coding-DNA position 1565, C replaced by A.
Protein change: p.Ala522Glu; replaces alanine 522 with glutamic acid.
Molecular consequence: missense variant.
Genome position (GRCh38, 1-based): chr17:41,758,803, G>T on the plus strand (C>A on the coding strand, the complement: JUP is on the minus strand). VCF-style: chr17-41758803-G-T. GRCh37 (hg19) VCF-style: chr17-39915055-G-T.
Other names: c.1565C>A, p.Ala522Glu (NM_001352773.2, NM_001352774.2, NM_001352775.2 and 3 more transcripts); short protein forms A522E.
Identifiers: ClinVar variation 965949 (VCV000965949.10), dbSNP rs1060502679, ClinGen allele CA399493848.
Genomic context (GRCh38, chr17:41,758,803, plus strand): 5'-ACGTGGCGCTGGGCATCCTGGTGGGCCTTCACCAGCAGTTGGACGAGGCGGGGGATGACC[G>T]CTGCCTCCTGCAGCGGGGCATGGTTGGCTGGGCACAGGGCCAGATTCCTGATCAAGCCGA-3'
Protein context (NP_002221.1, residues 512-532): PANHAPLQEA[Ala522Glu]VIPRLVQLLV

ClinVar aggregate classification (germline): Uncertain significance. Review status: criteria provided, multiple submitters, no conflicts (2 of 4 stars). 2 submissions from 2 submitters: Uncertain significance (2). Last evaluated 2026-05-15.

Conditions:
Cardiovascular phenotype. Identifiers: MedGen CN230736.
Naxos disease (NXD). Also called: KERATOSIS PALMOPLANTARIS WITH ARRHYTHMOGENIC CARDIOMYOPATHY; MAL DE NAXOS; PALMOPLANTAR KERATODERMA WITH ARRHYTHMOGENIC RIGHT VENTRICULAR CARDIOMYOPATHY AND WOOLLY HAIR; CARDIOMYOPATHY, ARRHYTHMOGENIC RIGHT VENTRICULAR, WITH SKIN, HAIR, AND NAIL ABNORMALITIES; WOOLLY HAIR, PALMOPLANTAR KERATODERMA, AND CARDIAC ABNORMALITIES. Identifiers: Orphanet 34217, MedGen C1832600, MONDO:0011017, OMIM 601214.
Arrhythmogenic right ventricular dysplasia 12. Also called: ARRHYTHMOGENIC RIGHT VENTRICULAR DYSPLASIA, FAMILIAL, 12. Identifiers: MedGen C1969081, MONDO:0012684, OMIM 611528.

Allele frequency attached by ClinVar (database versions not stated): TOPMed 0.00001.
gnomAD v4.1: 5 of 1,610,988 alleles (0.00031%); highest among the groups gnomAD compares: Non-Finnish European, 0.00042%; no homozygotes.

Submissions (2):

Ambry Genetics
Classification: Uncertain significance for Cardiovascular phenotype. Last evaluated: 2026-05-15. Review status: criteria provided, single submitter. Criteria: Ambry Variant Classification Scheme 2023. Collection method: clinical testing. Allele origin: germline.
Comment: The p.A522E variant (also known as c.1565C>A), located in coding exon 8 of the JUP gene, results from a C to A substitution at nucleotide position 1565. The alanine at codon 522 is replaced by glutamic acid, an amino acid with dissimilar properties. This amino acid position is not well conserved in available vertebrate species. In addition, this alteration is predicted to be tolerated by in silico analysis. Based on the available evidence, the clinical significance of this variant remains unclear.

Labcorp Genetics (formerly Invitae), Labcorp
Classification: Uncertain significance for Arrhythmogenic right ventricular dysplasia 12; Naxos disease. Last evaluated: 2023-08-02. Review status: criteria provided, single submitter. Criteria: Invitae Variant Classification Sherloc (09022015). Collection method: clinical testing. Allele origin: germline.
Comment: The frequency data for this variant in the population databases is considered unreliable, as metrics indicate poor data quality at this position in the gnomAD database. This sequence change replaces alanine, which is neutral and non-polar, with glutamic acid, which is acidic and polar, at codon 522 of the JUP protein (p.Ala522Glu). This variant has not been reported in the literature in individuals affected with JUP-related conditions. ClinVar contains an entry for this variant (Variation ID: 965949). An algorithm developed to predict the effect of missense changes on protein structure and function (PolyPhen-2) suggests that this variant is likely to be tolerated. In summary, the available evidence is currently insufficient to determine the role of this variant in disease. Therefore, it has been classified as a Variant of Uncertain Significance.